The following is an entry in ClinVar:

ClinVar aggregate classification (germline): Uncertain significance (1 of 4 stars; one submission).

Allele frequency attached by ClinVar (database versions not stated): TOPMed 0.00001.
gnomAD v4.1: 2 of 1,614,078 alleles (0.00012%); no homozygotes.

Submission:

Labcorp Genetics (formerly Invitae), Labcorp
Classification: Uncertain significance. Last evaluated: 2025-03-19. Review status: criteria provided, single submitter. Criteria: Invitae Variant Classification Sherloc (09022015). Collection method: clinical testing. Allele origin: germline.
Comment: This sequence change replaces serine, which is neutral and polar, with threonine, which is neutral and polar, at codon 524 of the BNC2 protein (p.Ser524Thr). This variant is not present in population databases (gnomAD no frequency). This variant has not been reported in the literature in individuals affected with BNC2-related conditions. ClinVar contains an entry for this variant (Variation ID: 2972308). An algorithm developed to predict the effect of missense changes on protein structure and function (PolyPhen-2) suggests that this variant is likely to be disruptive. In summary, the available evidence is currently insufficient to determine the role of this variant in disease. Therefore, it has been classified as a Variant of Uncertain Significance.

NM_017637.6(BNC2):c.1571G>C (p.Ser524Thr)

Gene: BNC2 (basonuclin zinc finger protein 2; minus strand). Cytogenetic location: 9p22.3.
Variant type: single nucleotide variant.
Coding change: c.1571G>C on transcript NM_017637.6 (MANE Select); coding-DNA position 1571, G replaced by C.
Protein change: p.Ser524Thr; replaces serine 524 with threonine.
Molecular consequence: missense variant.
Genome position (GRCh38, 1-based): chr9:16,436,623, C>G on the plus strand (G>C on the coding strand, the complement: BNC2 is on the minus strand). VCF-style: chr9-16436623-C-G. GRCh37 (hg19) VCF-style: chr9-16436621-C-G.
Other names: c.1445G>C, p.Ser482Thr (NM_001317939.2); c.1286G>C, p.Ser429Thr (NM_001317940.2); short protein forms S482T, S429T, S524T.
Identifiers: ClinVar variation 2972308 (VCV002972308.3), dbSNP rs1821023173, ClinGen allele CA372993344.